The following is an entry in ClinVar:

NM_001252024.2(TRPM1):c.847G>T (p.Val283Leu)

Gene: TRPM1 (transient receptor potential cation channel subfamily M member 1; minus strand). Cytogenetic location: 15q13.3.
Variant type: single nucleotide variant.
Coding change: c.847G>T on transcript NM_001252024.2 (MANE Select); coding-DNA position 847, G replaced by T.
Protein change: p.Val283Leu; replaces valine 283 with leucine.
Molecular consequence: missense variant.
Genome position (GRCh38, 1-based): chr15:31,063,236, C>A on the plus strand (G>T on the coding strand, the complement: TRPM1 is on the minus strand). VCF-style: chr15-31063236-C-A. GRCh37 (hg19) VCF-style: chr15-31355439-C-A.
Other names: c.898G>T, p.Val300Leu (NM_001252020.2); c.781G>T, p.Val261Leu (NM_002420.6); c.898G>T (NM_001252020.1); short protein forms V261L, V283L, V300L.
Identifiers: ClinVar variation 2971714 (VCV002971714.4), dbSNP rs539031474, ClinGen allele CA7452782.

ClinVar aggregate classification (germline): Conflicting classifications of pathogenicity. Review status: criteria provided, conflicting classifications (1 of 4 stars). 2 submissions from 2 submitters: Uncertain significance (1); Likely benign (1). Last evaluated 2026-07-01.

Conditions:
TRPM1-related disorder. Also called: TRPM1-related condition.

Allele frequency attached by ClinVar (database versions not stated): gnomAD 0.00002; TOPMed 0.00004; ExAC 0.00011; 1000 Genomes Project 30x 0.00031; 1000 Genomes Project 0.00040.
gnomAD v4.1: 26 of 1,614,178 alleles (0.0016%); highest among the groups gnomAD compares: East Asian, 0.051%; no homozygotes.

Submissions (2):

PreventionGenetics, part of Exact Sciences
Classification: Uncertain significance for TRPM1-related condition. Last evaluated: 2026-07-01. Review status: criteria provided, single submitter. Criteria: ACMG Guidelines, 2015. Collection method: clinical testing. Allele origin: germline.
Comment: The TRPM1 c.898G>T variant is predicted to result in the amino acid substitution p.Val300Leu. To our knowledge, this variant has not been reported in the literature. This variant is reported in 0.13% of alleles in individuals of East Asian descent in gnomAD, which may be too frequent to be a primary cause of disease. Although we suspect that this variant may be benign, at this time, the clinical significance of this variant is uncertain due to the absence of conclusive functional and genetic evidence.

Labcorp Genetics (formerly Invitae), Labcorp
Classification: Likely benign. Last evaluated: 2025-03-13. Review status: criteria provided, single submitter. Criteria: Invitae Variant Classification Sherloc (09022015). Collection method: clinical testing. Allele origin: germline.